The following is an entry in ClinVar:

NM_198586.3(NHLRC1):c.481G>A (p.Ala161Thr)

Gene: NHLRC1 (NHL repeat containing E3 ubiquitin protein ligase 1; minus strand). Cytogenetic location: 6p22.3.
Variant type: single nucleotide variant.
Coding change: c.481G>A on transcript NM_198586.3 (MANE Select); coding-DNA position 481, G replaced by A.
Protein change: p.Ala161Thr; replaces alanine 161 with threonine.
Molecular consequence: missense variant.
Genome position (GRCh38, 1-based): chr6:18,122,126, C>T on the plus strand (G>A on the coding strand, the complement: NHLRC1 is on the minus strand). VCF-style: chr6-18122126-C-T. GRCh37 (hg19) VCF-style: chr6-18122357-C-T.
Other names: short protein forms A161T.
Identifiers: ClinVar variation 949445 (VCV000949445.8), dbSNP rs201476733, ClinGen allele CA3649986.

ClinVar aggregate classification (germline): Uncertain significance. Review status: criteria provided, multiple submitters, no conflicts (2 of 4 stars). 2 submissions from 2 submitters: Uncertain significance (2). Last evaluated 2025-01-23.

Conditions:
Lafora disease. Also called: Epilepsy progressive myoclonic 2. Identifiers: Orphanet 501, MedGen C0751783, MONDO:0009697.
Inborn genetic diseases. Identifiers: MedGen C0950123, MeSH D030342.

Allele frequency attached by ClinVar (database versions not stated): gnomAD 0.00001; gnomAD exomes 0.00002; ExAC 0.00004; 1000 Genomes Project 30x 0.00016; 1000 Genomes Project 0.00020.

Submissions (2):

Ambry Genetics
Classification: Uncertain significance for Inborn genetic diseases. Last evaluated: 2025-01-23. Review status: criteria provided, single submitter. Criteria: Ambry Variant Classification Scheme 2023. Collection method: clinical testing. Allele origin: germline.

Labcorp Genetics (formerly Invitae), Labcorp
Classification: Uncertain significance for Lafora disease. Last evaluated: 2021-08-24. Review status: criteria provided, single submitter. Criteria: Invitae Variant Classification Sherloc (09022015). Collection method: clinical testing. Allele origin: germline.
Comment: This sequence change replaces alanine with threonine at codon 161 of the NHLRC1 protein (p.Ala161Thr). The alanine residue is highly conserved and there is a small physicochemical difference between alanine and threonine. This variant is present in population databases (rs201476733, ExAC 0.02%). This variant has not been reported in the literature in individuals affected with NHLRC1-related conditions. Algorithms developed to predict the effect of missense changes on protein structure and function (SIFT, PolyPhen-2, Align-GVGD) all suggest that this variant is likely to be tolerated. In summary, the available evidence is currently insufficient to determine the role of this variant in disease. Therefore, it has been classified as a Variant of Uncertain Significance.